The following is an entry in ClinVar:

ClinVar aggregate classification (germline): Likely benign (1 of 4 stars; one submission).

Conditions:
Deficiency of beta-ureidopropionase (UPB1D). Also called: Beta-ureidopropionase deficiency. Identifiers: Orphanet 65287, MedGen C1291512, MONDO:0013164, OMIM 613161.

Allele frequency attached by ClinVar (database versions not stated): gnomAD exomes 0.00036; gnomAD 0.00200 and 0.00214; 1000 Genomes Project 30x 0.00234; TOPMed 0.00257; 1000 Genomes Project 0.00280.

Submission:

Illumina Laboratory Services, Illumina
Classification: Likely benign for Deficiency of beta-ureidopropionase. Last evaluated: 2018-01-13. Review status: criteria provided, single submitter. Criteria: ICSL Variant Classification Criteria 13 December 2019. Collection method: clinical testing. Allele origin: germline.
Comment: This variant was observed in the ICSL laboratory as part of a predisposition screen in an ostensibly healthy population. It had not been previously curated by ICSL or reported in the Human Gene Mutation Database (HGMD: prior to June 1st, 2018), and was therefore a candidate for classification through an automated scoring system. Utilizing variant allele frequency, disease prevalence and penetrance estimates, and inheritance mode, an automated score was calculated to assess if this variant is too frequent to cause the disease. Based on the score and internal cut-off values, a variant classified as likely benign is not then subjected to further curation. The score for this variant resulted in a classification of likely benign for this disease.

NM_016327.3(UPB1):c.*356G>A

Gene: UPB1 (beta-ureidopropionase 1; plus strand). Cytogenetic location: 22q11.23.
Variant type: single nucleotide variant.
Coding change: c.*356G>A on transcript NM_016327.3 (MANE Select); 356 bases downstream of the stop codon, G replaced by A.
Molecular consequence: 3 prime UTR variant.
Genome position (GRCh38, 1-based): chr22:24,526,150, G>A. VCF-style: chr22-24526150-G-A. GRCh37 (hg19) VCF-style: chr22-24922118-G-A.
Identifiers: ClinVar variation 903223 (VCV000903223.4), dbSNP rs111642761, ClinGen allele CA322683336.